The following continues an entry in ClinVar:

NM_007294.4(BRCA1):c.2433del (p.Lys812fs)

Gene: BRCA1. ClinVar aggregate classification (germline): Pathogenic. Pathogenic (1).

Submissions 7 to 19 of 25:

Ambry Genetics
Classification: Pathogenic for Hereditary cancer-predisposing syndrome. Last evaluated: 2024-07-03. Review status: criteria provided, single submitter. Criteria: Ambry Variant Classification Scheme 2023. Collection method: clinical testing. Allele origin: germline. Not counted in ClinVar's aggregate classification.
Comment: The c.2433delC pathogenic mutation, located in coding exon 9 of the BRCA1 gene, results from a deletion of one nucleotide at nucleotide position 2433, causing a translational frameshift with a predicted alternate stop codon (p.K812Rfs*3). This mutation has been reported in numerous HBOC patients and families (Weitzel JN et al. Cancer Epidemiol. Biomarkers Prev., 2005 Jul;14:1666-71; Kim BY et al. Biochem Biophys Res Commun, 2006 Oct;349:604-10; Han SH et al. Clin Genet, 2006 Dec;70:496-501; Ahn SH et al. Cancer Lett, 2007 Jan;245:90-5; Vogel KJ et al. J Clin Oncol, 2007 Oct;25:4635-41; John EM et al. JAMA, 2007 Dec;298:2869-76; Hall MJ et al. Cancer, 2009 May;115:2222-33; Lim MC et al. J Cancer Res Clin Oncol, 2009 Nov;135:1593-9; Borg A et al. Hum Mutat, 2010 Mar;31:E1200-40; Jang JH et al. J. Hum. Genet., 2012 Mar;57:212-5; Kim H et al. Breast Cancer Res Treat, 2012 Aug;134:1315-26; Weitzel JN et al. J Clin Oncol, 2013 Jan;31:210-6; Tung N et al. Cancer, 2015 Jan;121:25-33; Torres-Mej&iacute;a G et al, 2015 Mar;24:498-505; Kang E et al. Breast Cancer Res Treat, 2015 May;151:157-68; Choi MC et al. Int J Gynecol Cancer, 2015 Oct;25:1386-91; Nahleh Z et al. Am J Cancer Res, 2015 Dec;5:466-71; Park JS et al. Cancer Res Treat, 2017 Oct;49:1012-1021; Ryu JM et al. Breast Cancer Res Treat, 2019 Jan;173:385-395; Dorling et al. N Engl J Med. 2021 02;384:428-439). This mutation has also been reported in patients with pancreatic cancer and acute myeloid leukemia (Bannon SA et al. Cancer Prev Res (Phila), 2018 11;11:679-686; Kim B et al. Sci Rep, 2020 08;10:14297). Of note, this alteration is also designated as 2552delC in published literature. In addition to the clinical data presented in the literature, this alteration is expected to result in loss of function by premature protein truncation or nonsense-mediated mRNA decay. As such, this alteration is interpreted as a disease-causing mutation.

3billion
Classification: Pathogenic for Breast-ovarian cancer, familial, susceptibility to, 1. Last evaluated: 2024-06-04. Review status: criteria provided, single submitter. Criteria: ACMG Guidelines, 2015. Collection method: clinical testing. Allele origin: germline. Affected: yes. Not counted in ClinVar's aggregate classification.
Comment: The variant is observed at an extremely low frequency in the gnomAD v4.0.0 dataset (total allele frequency: <0.001%). Predicted Consequence/Location: Frameshift: predicted to result in a loss or disruption of normal protein function through nonsense-mediated decay (NMD) or protein truncation. Multiple pathogenic variants are reported downstream of the variant. The variant has been reported multiple times as an established pathogenic variant (ClinVar ID: VCV000037469 /PMID: 16030099). Therefore, this variant is classified as Pathogenic according to the recommendation of ACMG/AMP guideline.

Baylor Genetics
Classification: Pathogenic for Breast-ovarian cancer, familial, susceptibility to, 1. Last evaluated: 2024-03-19. Review status: criteria provided, single submitter. Criteria: ACMG Guidelines, 2015. Collection method: clinical testing. Allele origin: unknown. Not counted in ClinVar's aggregate classification.

Color Diagnostics, LLC DBA Color Health
Classification: Pathogenic for Hereditary cancer-predisposing syndrome. Last evaluated: 2024-02-22. Review status: criteria provided, single submitter. Criteria: ACMG Guidelines, 2015. Collection method: clinical testing. Allele origin: germline. Not counted in ClinVar's aggregate classification.
Comment: This variant deletes 1 nucleotide in exon 10 of the BRCA1 gene, creating a frameshift and premature translation stop signal. This variant is expected to result in an absent or non-functional protein product. This variant has been reported in over 10 individuals affected with breast and ovarian cancer (PMID: 16030099, 16685647, 16949048, 16455195, 17925560, 18159056, 19499246, 20104584, 22798144, 25186627, 25371446, 26402875, 33471991, 34063308) and has been observed to be a recurrent mutation in Latino and Korean populations (PMID: 17925560, 22798144, 26402875). This variant has been identified in 2/250608 chromosomes in the general population by the Genome Aggregation Database (gnomAD). Loss of BRCA1 function is a known mechanism of disease. Based on the available evidence, this variant is classified as Pathogenic.

GeneDx
Classification: Pathogenic. Last evaluated: 2023-09-23. Review status: criteria provided, single submitter. Criteria: GeneDx Variant Classification Process June 2021. Collection method: clinical testing. Allele origin: germline. Affected: yes. Not counted in ClinVar's aggregate classification.
Comment: Frameshift variant predicted to result in protein truncation or nonsense mediated decay in a gene for which loss-of-function is a known mechanism of disease; Truncating variants in this gene are considered pathogenic by a well-established clinical consortium and/or database; Not observed at significant frequency in large population cohorts (gnomAD); Also known as 2552delC; This variant is associated with the following publications: (PMID: 22798144, 25628955, 20104584, 29673794, 34490083, 29922827, 28888541, 23233716, 19241424, 17591843, 17100994, 16949048, 16455195, 16030099, 19499246, 25863477, 16685647, 22217648, 19967274, 25371446, 26402875, 28985766, 26295337, 30350268, 30309222, 17925560, 16267036, 30274973, 30720243, 32868804, 28111427, 34645131)

Quest Diagnostics Nichols Institute San Juan Capistrano
Classification: Pathogenic. Last evaluated: 2023-06-10. Review status: criteria provided, single submitter. Criteria: Quest Diagnostics criteria. Collection method: clinical testing. Allele origin: unknown. Not counted in ClinVar's aggregate classification.
Comment: This variant alters the translational reading frame of the BRCA1 mRNA and causes the premature termination of BRCA1 protein synthesis. In the published literature, this variant has been reported in individuals with breast and/or ovarian cancer (PMIDs: 30350268 (2018), 29240602 (2018), 23233716 (2013), 22217648 (2012), 20104584 (2010)). The frequency of this variant in the general population, 0.000008 (2/250608 chromosomes (Genome Aggregation Database)), is consistent with pathogenicity. Based on the available information, this variant is classified as pathogenic.

Institute for Biomarker Research, Medical Diagnostic Laboratories, L.L.C.
Classification: Pathogenic for Hereditary breast ovarian cancer syndrome. Last evaluated: 2022-09-27. Review status: criteria provided, single submitter. Criteria: ACMG Guidelines, 2015. Collection method: clinical testing. Allele origin: germline. Not counted in ClinVar's aggregate classification.

Fulgent Genetics
Classification: Pathogenic for Familial cancer of breast; Breast-ovarian cancer, familial, susceptibility to, 1; Pancreatic cancer, susceptibility to, 4; Fanconi anemia, complementation group S. Last evaluated: 2021-12-08. Review status: criteria provided, single submitter. Criteria: ACMG Guidelines, 2015. Collection method: clinical testing. Allele origin: unknown. Not counted in ClinVar's aggregate classification.

Division of Medical Genetics, University of Washington
Classification: Pathogenic for Breast-ovarian cancer, familial, susceptibility to, 1. Last evaluated: 2020-06-11. Review status: criteria provided, single submitter. Criteria: ACMG Guidelines, 2015. Collection method: clinical testing. Allele origin: germline. Affected: yes. Study: CSER_CHARM. Not counted in ClinVar's aggregate classification.
Comment: This variant causes a frameshift that leads to a premature termination codon. This variant is predicted to cause loss of normal protein either through protein truncation or nonsense-mediated mRNA decay. This variant has been reported in a number of women with breast and/or ovarian cancer (Ahn et al. 2007; Torres-Mejia et al. 2015; and Weitzel et al. 2013). Based on this evidence we interpret this variant as pathogenic. PS4; PVS1

Rady Children's Institute for Genomic Medicine, Rady Children's Hospital San Diego
Classification: Pathogenic for BREAST-OVARIAN CANCER, FAMILIAL, SUSCEPTIBILITY TO, 1. Last evaluated: 2018-06-29. Review status: criteria provided, single submitter. Criteria: ACMG Guidelines, 2015. Collection method: clinical testing. Allele origin: germline. Affected: yes. Observed: 1 variant allele. Not counted in ClinVar's aggregate classification.
Comment: This frameshifting variant in exon 10 of 24 introduces a premature stop codon and is therefore predicted to result in loss of normal protein function. This variant has been previously reported as a heterozygous change in multiple individuals with a personal or family history of breast and/or ovarian cancer (PMID: 25863477, 16455195, 25371446, 23233716). It is present in the heterozygous state in the gnomAD population database at a frequency of 0.0008% (2/245,372) and thus is presumed to be rare. Based on the available evidence, the c.2433delC (p.Lys812ArgfsTer3) variant is classified as pathogenic.

Women's Health and Genetics/Laboratory Corporation of America, LabCorp
Classification: Pathogenic for Hereditary breast and ovarian cancer syndrome. Last evaluated: 2018-06-26. Review status: criteria provided, single submitter. Criteria: LabCorp Variant Classification Summary - May 2015. Collection method: clinical testing. Allele origin: germline. Not counted in ClinVar's aggregate classification.
Comment: Variant summary: BRCA1 c.2433delC (p.Lys812ArgfsX3) results in a premature termination codon, predicted to cause a truncation of the encoded protein or absence of the protein due to nonsense mediated decay, which are commonly known mechanisms for disease. The variant allele was found at a frequency of 8.1e-06 in 245706 control chromosomes (gnomAD). The variant, c.2433delC, has been reported in the literature in multiple individuals affected with Hereditary Breast and Ovarian Cancer (Han_2006, Weitzel_2005, Lim_2009, Vogel_2007, John_2007, Mgbemena_2017). These data indicate that the variant is very likely to be associated with disease. To our knowledge, no experimental evidence demonstrating an impact on protein function has been reported. Seven ClinVar submissions from clinical diagnostic laboratories (evaluation after 2014) cite the variant as "pathogenic." Based on the evidence outlined above, the variant was classified as pathogenic.

Consortium of Investigators of Modifiers of BRCA1/2 (CIMBA), c/o University of Cambridge
Classification: Pathogenic for Breast-ovarian cancer, familial, susceptibility to, 1. Last evaluated: 2015-10-02. Review status: criteria provided, single submitter. Criteria: CIMBA Mutation Classification guidelines May 2016. Collection method: clinical testing. Allele origin: germline. Not counted in ClinVar's aggregate classification.

Biomedical Genomics and Oncogenetics Laboratory, Institut Pasteur de Tunis, University Tunis El Manar
Classification: Pathogenic for Breast-ovarian cancer, familial, susceptibility to, 1. Review status: criteria provided, single submitter. Criteria: ACMG Guidelines, 2015. Collection method: clinical testing. Allele origin: germline. Affected: yes. Observed: 2 variant alleles. Not counted in ClinVar's aggregate classification.